The following is an entry in ClinVar:

NC_000022.10:g.(?_19163093)_(19166250_?)dup

Gene: SLC25A1 (solute carrier family 25 member 1; minus strand). Cytogenetic location: 22q11.21.
Variant type: Duplication.
Identifiers: ClinVar variation 3768208 (VCV003768208.2).

ClinVar aggregate classification (germline): Uncertain significance (1 of 4 stars; one submission).

Submission:

Women's Health and Genetics/Laboratory Corporation of America, LabCorp
Classification: Uncertain significance. Last evaluated: 2026-03-02. Review status: criteria provided, single submitter. Criteria: LabCorp Variant Classification Summary - May 2015. Collection method: clinical testing. Allele origin: germline.
Comment: Variant summary: The variant involves the duplication of exons 1-9 in the SLC25A1 gene. A presumed nomenclature of c.(?_-64)_(*550_?)dup has been designated for the purposes of this classification. This duplication includes the entire coding sequence of the gene. As exact breakpoints are unknown, it may extend beyond the annotated region of the gene, to include other flanking genes. The duplication of the SLC25A1 gene in isolation was absent in in the gnomAD database (Structural Variants datasets), allowing no conclusion about variant significance. However, a large duplication variant (size ~1.375 Mbp) which covers the SLC25A1 gene (together with several other flanking genes) was found at a frequency of 0.00088 in 124360 control chromosomes in the gnomAD database (Structural Variants v4.1 dataset). In addition, another large overlapping duplication (size ~2.57 Mbp) was also reported with a somewhat lower allele frequency. These recurrent large copy number gains seem to correspond to the known chromosome 22q11.2 microduplication syndrome that has been reported in the literature (see e.g. OMIM). To our knowledge, duplications confined to the SLC25A1 gene have not been reported in the literature in individuals affected with SLC25A1-related conditions, and no experimental evidence demonstrating its impact on protein function has been reported. ClinVar contains an entry for this variant (Variation ID: 3768208). Based on the evidence outlined above, the variant was classified as uncertain significance.